The following is an entry in ClinVar:

ClinVar aggregate classification (germline): Pathogenic/Likely pathogenic. Review status: criteria provided, multiple submitters, no conflicts (2 of 4 stars). 13 submissions from 13 submitters: Pathogenic (12); Likely pathogenic (1). Last evaluated 2025-12-13.

Conditions:
ATM-related disorder. Also called: ATM-related disorders; ATM-related condition.
Hereditary cancer-predisposing syndrome. Also called: Hereditary Cancer Syndrome; Tumor predisposition; Neoplastic Syndromes, Hereditary; Hereditary neoplastic syndrome. Identifiers: Orphanet 140162, MedGen C0027672, MeSH D009386, MONDO:0015356.
Familial cancer of breast. Also called: hereditary breast carcinoma; BREAST CANCER, FAMILIAL; Hereditary breast cancer. Identifiers: Orphanet 227535, MedGen C0346153, MONDO:0016419, OMIM 114480. Disease mechanism: loss of function.
Ataxia-telangiectasia syndrome (AT). Also called: ATAXIA-TELANGIECTASIA, COMPLEMENTATION GROUP A; ATAXIA-TELANGIECTASIA, FRESNO VARIANT; Ataxia-telangiectasia; Ataxia-telangiectasia, complementation group E; Cerebello-oculocutaneous telangiectasia; Immunodeficiency with ataxia telangiectasia. Identifiers: Orphanet 100, MedGen C0004135, MONDO:0008840, OMIM 208900.
Breast cancer, susceptibility to. Identifiers: MedGen C3469522. Disease mechanism: gain of function.

Submissions (13):

Labcorp Genetics (formerly Invitae), Labcorp
Classification: Pathogenic for Ataxia-telangiectasia syndrome. Last evaluated: 2025-12-13. Review status: criteria provided, single submitter. Criteria: Invitae Variant Classification Sherloc (09022015). Collection method: clinical testing. Allele origin: germline.
Comment: This sequence change creates a premature translational stop signal (p.Leu2077Phefs*5) in the ATM gene. It is expected to result in an absent or disrupted protein product. Loss-of-function variants in ATM are known to be pathogenic (PMID: 23807571, 25614872). This variant is not present in population databases (gnomAD no frequency). This premature translational stop signal has been observed in individual(s) with ataxia-telangiectasia (PMID: 10817650). ClinVar contains an entry for this variant (Variation ID: 186516). For these reasons, this variant has been classified as Pathogenic.

Color Diagnostics, LLC DBA Color Health
Classification: Pathogenic for Hereditary cancer-predisposing syndrome. Last evaluated: 2025-11-24. Review status: criteria provided, single submitter. Criteria: ACMG Guidelines, 2015. Collection method: clinical testing. Allele origin: germline.
Comment: This variant deletes 1 nucleotide in exon 43 of the ATM gene, creating a frameshift and premature translation stop signal. This variant is expected to result in an absent or non-functional protein product. This variant has been reported in an individual affected with ataxia-telangiectasia (PMID: 10817650) and in individuals affected with breast cancer, pancreatic cancer, and melanoma (PMID: 26296696, 28495237, 28767289, 34262154, 36091166). This variant has also been identified in 1/251394 chromosomes in the general population by the Genome Aggregation Database (gnomAD). Loss of ATM function is a known mechanism of disease. Based on the available evidence, this variant is classified as Pathogenic.

Natera, Inc.
Classification: Pathogenic for Ataxia-telangiectasia. Last evaluated: 2025-10-09. Review status: criteria provided, single submitter. Criteria: Natera Variant Classification Schema (03/2026). Collection method: clinical testing. Allele origin: germline.
Comment: The c.6228delT variant in ATM is a frameshift variant predicted to shift the reading frame beginning at codon 2077 and leads to a stop codon 5 codons downstream. This variant is expected to result in nonsense mediated decay, truncation, or a dysfunctional protein product. This variant is rare in the general population with a frequency below the threshold expected for the associated phenotype(s). This variant has been observed in one or more individuals affected with the associated recessive disease, as either homozygous or compound heterozygous with a second variant (PMID: 39521281). Given the available evidence, this variant is classified as Pathogenic.

GeneDx
Classification: Pathogenic. Last evaluated: 2025-06-05. Review status: criteria provided, single submitter. Criteria: GeneDx Variant Classification Process June 2021. Collection method: clinical testing. Allele origin: germline. Affected: yes.
Comment: Frameshift variant predicted to result in protein truncation or nonsense mediated decay in a gene for which loss of function is a known mechanism of disease; Observed heterozygous in individuals with a personal or family history consistent with pathogenic variants in this gene (PMID: 31285527, 26296696, 28767289); Truncating variants in this gene are considered pathogenic by a well-established clinical consortium and/or database; Not observed at significant frequency in large population cohorts (gnomAD); This variant is associated with the following publications: (PMID: 26296696, 34262154, 31285527, 27304073, 28767289, 28495237, 29439820, 32445285, 10817650)

Ambry Genetics
Classification: Pathogenic for Hereditary cancer-predisposing syndrome. Last evaluated: 2025-04-30. Review status: criteria provided, single submitter. Criteria: Ambry Variant Classification Scheme 2023. Collection method: clinical testing. Allele origin: germline.
Comment: The c.6228delT pathogenic mutation, located in coding exon 42 of the ATM gene, results from a deletion of one nucleotide at nucleotide position 6228, causing a translational frameshift with a predicted alternate stop codon (p.L2077Ffs*5). This pathogenic mutation has been reported in an individual with ataxia-telangiectasia (Li A and Swift M. Am. J. Med. Genet. 2000 May;92(3):170-7). It has also been reported in an individual with a personal history of breast and pancreatic cancer and family history of thyroid, colon and prostate cancer (Frey MK et al. Gynecol. Oncol. 2015 Nov;139(2):211-5). The c.6228delT mutation has been detected in a patient with pancreatic cancer and a family history of breast cancer (Shindo K et al. J. Clin. Oncol. 2017 Oct;35:3382-3390). This variant is considered to be rare based on population cohorts in the Genome Aggregation Database (gnomAD). In addition to the clinical data presented in the literature, this alteration is expected to result in loss of function by premature protein truncation or nonsense-mediated mRNA decay. As such, this alteration is interpreted as a disease-causing mutation.

Women's Health and Genetics/Laboratory Corporation of America, LabCorp
Classification: Pathogenic for Ataxia-telangiectasia syndrome. Last evaluated: 2024-09-26. Review status: criteria provided, single submitter. Criteria: LabCorp Variant Classification Summary - May 2015. Collection method: clinical testing. Allele origin: germline.
Comment: Variant summary: ATM c.6228delT (p.Leu2077PhefsX5) results in a premature termination codon, predicted to cause a truncation of the encoded protein or absence of the protein due to nonsense mediated decay, which are commonly known mechanisms for disease. The variant allele was found at a frequency of 4e-06 in 251394 control chromosomes (gnomAD). c.6228delT has been reported in the literature in at least an individual affected with Ataxia-Telangiectasia (example: Li_2000). The following publication have been ascertained in the context of this evaluation (PMID: 10817650). ClinVar contains an entry for this variant (Variation ID: 186516). Based on the evidence outlined above, the variant was classified as pathogenic.

Blueprint Genetics
Classification: Likely pathogenic for ATM-related disorders. Last evaluated: 2024-06-21. Review status: criteria provided, single submitter. Criteria: ACMG Guidelines, 2015. Collection method: clinical testing. Allele origin: germline. Affected: yes. Observed: 3 variant alleles.

Baylor Genetics
Classification: Pathogenic for Familial cancer of breast. Last evaluated: 2024-03-30. Review status: criteria provided, single submitter. Criteria: ACMG Guidelines, 2015. Collection method: clinical testing. Allele origin: unknown.

Myriad Genetics, Inc.
Classification: Pathogenic for Familial cancer of breast. Last evaluated: 2024-01-29. Review status: criteria provided, single submitter. Criteria: Myriad Autosomal Dominant, Autosomal Recessive and X-Linked Classification Criteria (2023). Collection method: clinical testing. Allele origin: unknown.
Comment: This variant is considered pathogenic. This variant creates a frameshift predicted to result in premature protein truncation.

Laboratory for Molecular Medicine, Mass General Brigham Personalized Medicine
Classification: Pathogenic for Ataxia-telangiectasia syndrome. Last evaluated: 2019-03-22. Review status: criteria provided, single submitter. Criteria: LMM Criteria. Collection method: clinical testing. Allele origin: germline. Observed: 1 variant allele.
Comment: The p.Leu2077fs variant in ATM has been reported in one individual with ataxia-telangiectasia; however a second variant in the ATM gene was not identified (Li 2000). In addition, the variant was detected in one patient with a history of breast and pancreatic cancer, and a family history of thyroid, colon and prostate cancer (Frey 2015). The variant has also been reported in the ClinVar database (Variation ID# 186516), and was absent from large population studies. The p.Leu2077fs variant is predicted to cause a frameshift, which alters the proteinâ€™s amino acid sequence beginning at position 2077 and leads to a premature termination codon 5 amino acids downstream. This alteration is then predicted to lead to a truncated or absent protein. In summary, this variant meets criteria to be classified as pathogenic for ataxia-telangiectasia in an autosomal recessive manner. Additionally, carriers of pathogenic ATM variants may be at increased risk for developing cancers (Gatti 2016, van Os 2016). ACMG/AMP criteria applied: PVS1; PM2; PS4_supporting.

Eurofins Ntd Llc (ga)
Classification: Pathogenic. Last evaluated: 2018-01-26. Review status: criteria provided, single submitter. Criteria: EGL Classification Definitions 2015. Collection method: clinical testing. Allele origin: germline. Observed: 2 variant alleles, 2 heterozygotes.

Genetic Services Laboratory, University of Chicago
Classification: Pathogenic for {Breast cancer, susceptibility to}. Last evaluated: 2017-04-05. Review status: criteria provided, single submitter. Criteria: ACMG Guidelines, 2015. Collection method: clinical testing. Allele origin: germline. Affected: yes.

ARUP Laboratories, Molecular Genetics and Genomics, ARUP Laboratories
Classification: Pathogenic. Review status: criteria provided, single submitter. Criteria: ARUP Molecular Germline Variant Investigation Process 2024. Collection method: clinical testing. Allele origin: germline.
Comment: The ATM c.6228del; p.Leu2077PhefsTer5 variant (rs786203008, ClinVar Variation ID 186516) is reported in the literature in the heterozygous state in multiple individuals with various cancers, and several of these individuals also have a family history of cancers (Borja 2023, Dalmasso 2021, Hutchings 2019, Rosner 2024, Shindo 2017, Yuen 2020). This variant is only observed on one allele in the Genome Aggregation Database (v2.1.1), indicating it is not a common polymorphism. This variant causes a frameshift by deleting a single nucleotide, so it is predicted to result in a truncated protein or mRNA subject to nonsense-mediated decay. Based on available information, this variant is considered to be pathogenic. References: Borja NA et al. Atypical ATMs: Broadening the phenotypic spectrum of ATM-associated hereditary cancer. Frontiers in oncology. 2023 PMID: 36865800 Dalmasso B et al. Germline ATM variants predispose to melanoma: a joint analysis across the GenoMEL and MelaNostrum consortia. Genet Med. 2021 Nov. PMID: 34262154 Hutchings D et al. Histomorphology of pancreatic cancer in patients with inherited ATM serine/threonine kinase pathogenic variants. Mod Pathol. 2019 Dec. PMID: 31285527 Rosner G et al. Surveillance Outcome and Genetic Findings in Individuals at High Risk of Pancreatic Cancer. Clin Transl Gastroenterol. 2024 Feb 1. PMID: 38147532 Shindo K et al. Deleterious Germline Mutations in Patients With Apparently Sporadic Pancreatic Adenocarcinoma. J Clin Oncol. 2017 Oct 20. PMID: 28767289 Yuen C et al. ATM mutation in a patient with thymoma-associated myasthenia gravis. Muscle Nerve. 2020 Aug. PMID: 32445285

Literature cited by the submitters: PubMed 23807571 (cited by Labcorp Genetics (formerly Invitae), Labcorp); PubMed 25614872 (cited by Labcorp Genetics (formerly Invitae), Labcorp); PubMed 10817650 (cited by 5 submitters); PubMed 26296696 (cited by 3 submitters); PubMed 28495237 (cited by Color Diagnostics, LLC DBA Color Health); PubMed 28767289 (cited by Color Diagnostics, LLC DBA Color Health and Ambry Genetics); PubMed 34262154 (cited by Color Diagnostics, LLC DBA Color Health); PubMed 36091166 (cited by Color Diagnostics, LLC DBA Color Health); PubMed 39521281 (cited by Natera, Inc.); PubMed 26662178 (cited by Laboratory for Molecular Medicine, Mass General Brigham Personalized Medicine); PubMed 20301790 (cited by Laboratory for Molecular Medicine, Mass General Brigham Personalized Medicine).

NM_000051.4(ATM):c.6228del (p.Leu2077fs)

Genes: ATM (ATM serine/threonine kinase; plus strand), C11orf65 (chromosome 11 open reading frame 65; minus strand). Cytogenetic location: 11q22.3.
Variant type: Deletion.
Coding change: c.6228del on transcript NM_000051.4 (MANE Select); coding-DNA position 6228, one base deleted (T; older notation c.6228delT).
Protein change: p.Leu2077fs; shifts the reading frame from leucine 2077.
Molecular consequence: frameshift variant. On other transcripts: intron variant (2).
Genome position (GRCh38, 1-based): chr11:108,317,402, T deleted; the last of 2 consecutive T bases (chr11:108,317,401-108,317,402); deleting either gives the same sequence. VCF-style (leftmost placement, unchanged base first): chr11-108317400-AT-A. GRCh37 (hg19) VCF-style: chr11-108188127-AT-A.
Other names: c.6228del, p.Leu2077fs (NM_001351834.2); c.641-8330del (NM_001330368.2); c.*39-8330del (NM_001351110.2); c.6228delT (NM_000051.4); short protein forms L2077fs.
Identifiers: ClinVar variation 186516 (VCV000186516.40), dbSNP rs786203008, ClinGen allele CA195069.
Genomic context (GRCh38, chr11:108,317,400, plus strand): 5'-ACTTAACTTAAAAACAAAATAACTCCTGTTTAGGCCTTGCAGAATTTGGGACTCTGCCAT[AT>A]TCTTTCCGTCTATTTAAAAGGATTGGATTATGAAAATAAAGACTGGTGTCCTGAACTAGA-3'